The following is an entry in ClinVar:

ClinVar aggregate classification (germline): Uncertain significance (1 of 4 stars; one submission).

Allele frequency attached by ClinVar (database versions not stated): TOPMed below 0.00001; gnomAD 0.00001; gnomAD exomes 0.00001.
gnomAD v4.1: 12 of 1,613,820 alleles (0.00074%); highest among the groups gnomAD compares: Non-Finnish European, 0.00093%; no homozygotes.

Submission:

Labcorp Genetics (formerly Invitae), Labcorp
Classification: Uncertain significance. Last evaluated: 2022-08-19. Review status: criteria provided, single submitter. Criteria: Invitae Variant Classification Sherloc (09022015). Collection method: clinical testing. Allele origin: germline.
Comment: In summary, the available evidence is currently insufficient to determine the role of this variant in disease. Therefore, it has been classified as a Variant of Uncertain Significance. Algorithms developed to predict the effect of missense changes on protein structure and function are either unavailable or do not agree on the potential impact of this missense change (SIFT: "Tolerated"; PolyPhen-2: "Possibly Damaging"; Align-GVGD: "Class C0"). This variant has not been reported in the literature in individuals affected with TOE1-related conditions. This variant is not present in population databases (gnomAD no frequency). This sequence change replaces glycine, which is neutral and non-polar, with aspartic acid, which is acidic and polar, at codon 165 of the TOE1 protein (p.Gly165Asp).

NM_025077.4(TOE1):c.494G>A (p.Gly165Asp)

Gene: TOE1 (target of EGR1, exonuclease; plus strand). Cytogenetic location: 1p34.1.
Variant type: single nucleotide variant.
Coding change: c.494G>A on transcript NM_025077.4 (MANE Select); coding-DNA position 494, G replaced by A.
Protein change: p.Gly165Asp; replaces glycine 165 with aspartic acid.
Molecular consequence: missense variant.
Genome position (GRCh38, 1-based): chr1:45,342,385, G>A. VCF-style: chr1-45342385-G-A. GRCh37 (hg19) VCF-style: chr1-45808057-G-A.
Other names: short protein forms G165D.
Identifiers: ClinVar variation 1931987 (VCV001931987.4), dbSNP rs1237379875, ClinGen allele CA340139337.
Genomic context (GRCh38, chr1:45,342,385, plus strand): 5'-GCAGAAGAGGCTCCCTGGGGGACTCTGTCCTCCTCATTGACCCCTTTACTTTCATCTAGG[G>A]TGATGAGAGCCAGAGCCAGTCAGTACGGACCCTATTCCTGGAGCTAATCCGAGCCCGCCG-3'
Protein context (NP_079353.3, residues 155-175): GIPYHKGNDK[Gly165Asp]DESQSQSVRT